The following is an entry in ClinVar:

NM_000350.3(ABCA4):c.3364G>A (p.Glu1122Lys)

Gene: ABCA4 (ATP binding cassette subfamily A member 4; minus strand). Cytogenetic location: 1p22.1.
Variant type: single nucleotide variant.
Coding change: c.3364G>A on transcript NM_000350.3 (MANE Select); coding-DNA position 3364, G replaced by A.
Protein change: p.Glu1122Lys; replaces glutamic acid 1122 with lysine.
Molecular consequence: missense variant.
Genome position (GRCh38, 1-based): chr1:94,041,367, C>T on the plus strand (G>A on the coding strand, the complement: ABCA4 is on the minus strand). VCF-style: chr1-94041367-C-T. GRCh37 (hg19) VCF-style: chr1-94506923-C-T.
Other names: c.3142G>A, p.Glu1048Lys (NM_001425324.1); short protein forms E1122K, E1048K.
Identifiers: ClinVar variation 30218 (VCV000030218.17), dbSNP rs61751399, ClinGen allele CA227113.

ClinVar aggregate classification (germline): Pathogenic. Review status: criteria provided, multiple submitters, no conflicts (2 of 4 stars). 10 submissions from 9 submitters: Pathogenic (6). 4 of the submissions do not count toward it. Last evaluated 2026-09-15.

Conditions:
ABCA4-related disorder. Also called: ABCA4-related disorders; ABCA4-related condition. Identifiers: MedGen CN239167.
Retinal dystrophy. Also called: Inherited retinal dystrophy. Identifiers: Orphanet 71862, MedGen C0854723, MeSH D058499, MONDO:0019118, HP:0000556.
Retinitis pigmentosa (RP). Identifiers: Orphanet 791, MedGen C0035334, MeSH D012174, MONDO:0019200, OMIM 268000. Inheritance: Autosomal dominant, autosomal recessive and X linked inheritance.
Severe early-childhood-onset retinal dystrophy (STGD1). Also called: STGD; Stargardt macular dystrophy; Juvenile onset macular degeneration; Stargardt disease 1; MACULAR DYSTROPHY WITH FLECKS, TYPE 1. Identifiers: Orphanet 364055, Orphanet 827, MedGen C1855465, MeSH D000080362, MONDO:0009549, OMIM 248200.
Retinal disorder. Also called: Retinopathies; Retinal Diseases; Retinopathy; Retinal disorders. Identifiers: MedGen C0035309, MONDO:0005283, HP:0000488.

Allele frequency attached by ClinVar (database versions not stated): TOPMed 0.00001; gnomAD 0.00002; gnomAD exomes 0.00002; ExAC 0.00002.
gnomAD v4.1: 27 of 1,613,956 alleles (0.0017%); highest among the groups gnomAD compares: Admixed American, 0.0033%; no homozygotes.

Submissions (10):

Genetics Laboratory, Great Ormond Street Hospital NHS Foundation Trust, North Thames Genomic Laboratory Hub
Classification: Pathogenic for Retinal disorders. Last evaluated: 2026-09-15. Review status: criteria provided, single submitter. Criteria: ACGS Best Practice Guidelines for Variant Classification in Rare Disease 2024 v1.2. Collection method: clinical testing. Allele origin: germline. Affected: yes.
Comment: PM2_moderate, PP3_supporting, PM3_very-strong

Labcorp Genetics (formerly Invitae), Labcorp
Classification: Pathogenic. Last evaluated: 2025-11-28. Review status: criteria provided, single submitter. Criteria: Invitae Variant Classification Sherloc (09022015). Collection method: clinical testing. Allele origin: germline.
Comment: This sequence change replaces glutamic acid, which is acidic and polar, with lysine, which is basic and polar, at codon 1122 of the ABCA4 protein (p.Glu1122Lys). This variant is present in population databases (rs61751399, gnomAD 0.006%). This missense change has been observed in individual(s) with inherited retinal disease (PMID: 9973280, 28041643, 28512305). In at least one individual the data is consistent with being in trans (on the opposite chromosome) from a pathogenic variant. ClinVar contains an entry for this variant (Variation ID: 30218). Invitae Evidence Modeling of protein sequence and biophysical properties (such as structural, functional, and spatial information, amino acid conservation, physicochemical variation, residue mobility, and thermodynamic stability) indicates that this missense variant is expected to disrupt ABCA4 protein function with a positive predictive value of 95%. For these reasons, this variant has been classified as Pathogenic.

Blueprint Genetics
Classification: Pathogenic for ABCA4-related disorders. Last evaluated: 2024-10-16. Review status: criteria provided, single submitter. Criteria: ACMG Guidelines, 2015. Collection method: clinical testing. Allele origin: germline. Affected: yes. Observed: 5 variant alleles.

Institute of Medical Genetics and Applied Genomics, University Hospital Tübingen
Classification: Pathogenic. Last evaluated: 2020-10-23. Review status: criteria provided, single submitter. Criteria: ACMG Guidelines, 2015. Collection method: clinical testing. Allele origin: germline. Inheritance: Unknown mechanism. Affected: yes.

Institute of Human Genetics, Univ. Regensburg, Univ. Regensburg
Classification: Pathogenic for Retinal dystrophy. Last evaluated: 2020-01-01. Review status: criteria provided, single submitter. Criteria: ACMG Guidelines, 2015. Collection method: clinical testing. Allele origin: germline. Affected: yes.

Clinical Genetics Service, Universitary Hospital 12 de Octubre
Classification: Pathogenic for Severe early-childhood-onset retinal dystrophy. Review status: criteria provided, single submitter. Criteria: ACMG Guidelines, 2015. Collection method: clinical testing. Allele origin: germline. Affected: yes.

NIHR Bioresource Rare Diseases, University of Cambridge
Classification: Likely pathogenic. Last evaluated: 2015-01-01. Review status: no assertion criteria provided. Collection method: research. Allele origin: unknown. Affected: yes. Observed: 1 variant allele. Not counted in ClinVar's aggregate classification.

NIHR Bioresource Rare Diseases, University of Cambridge
Classification: Likely pathogenic for Retinitis pigmentosa. Last evaluated: 2015-01-01. Review status: no assertion criteria provided. Collection method: research. Allele origin: unknown. Affected: yes. Observed: 1 variant allele. Not counted in ClinVar's aggregate classification.

OMIM
Classification: Pathogenic for STARGARDT DISEASE 1. Last evaluated: 2000-02-01. Review status: no assertion criteria provided. Collection method: literature only. Allele origin: germline. Not counted in ClinVar's aggregate classification.

Retina International
No classification provided. Review status: no classification provided. Collection method: not provided. Allele origin: not provided. Not counted in ClinVar's aggregate classification.

Literature cited by the submitters: PubMed 9973280 (cited by 3 submitters); PubMed 28041643 (cited by 3 submitters); PubMed 28512305 (cited by Labcorp Genetics (formerly Invitae), Labcorp and Institute of Human Genetics, Univ. Regensburg, Univ. Regensburg); PubMed 25082885 (cited by Institute of Human Genetics, Univ. Regensburg, Univ. Regensburg); PubMed 28559085 (cited by Institute of Human Genetics, Univ. Regensburg, Univ. Regensburg); PubMed 29925512 (cited by Institute of Human Genetics, Univ. Regensburg, Univ. Regensburg); PubMed 31054281 (cited by Institute of Human Genetics, Univ. Regensburg, Univ. Regensburg); PubMed 32619608 (cited by Institute of Human Genetics, Univ. Regensburg, Univ. Regensburg); PubMed 31964843 (cited by Institute of Human Genetics, Univ. Regensburg, Univ. Regensburg); PubMed 32307445 (cited by Institute of Human Genetics, Univ. Regensburg, Univ. Regensburg); PubMed 32845068 (cited by Institute of Human Genetics, Univ. Regensburg, Univ. Regensburg); PubMed 33302505 (cited by Institute of Human Genetics, Univ. Regensburg, Univ. Regensburg); PubMed 32581362 (cited by Institute of Human Genetics, Univ. Regensburg, Univ. Regensburg); PubMed 33301772 (cited by Institute of Human Genetics, Univ. Regensburg, Univ. Regensburg); PubMed 35119454 (cited by Institute of Human Genetics, Univ. Regensburg, Univ. Regensburg); PubMed 36460718 (cited by Institute of Human Genetics, Univ. Regensburg, Univ. Regensburg); PubMed 35076026 (cited by Institute of Human Genetics, Univ. Regensburg, Univ. Regensburg); PubMed 10746567 (cited by OMIM); PubMed 10396622 (cited by OMIM).